The following is an entry in ClinVar:

ClinVar aggregate classification (germline): Benign/Likely benign. Review status: criteria provided, multiple submitters, no conflicts (2 of 4 stars). 5 submissions from 5 submitters: Benign (3); Likely benign (2). Last evaluated 2025-11-03.

Conditions:
Inborn genetic diseases. Identifiers: MedGen C0950123, MeSH D030342.
HUWE1-related disorder. Also called: HUWE1-related condition.

Allele frequency attached by ClinVar (database versions not stated): gnomAD exomes 0.00033 and 0.00118; gnomAD 0.00039 and 0.00057; TOPMed 0.00070; ExAC 0.00123; 1000 Genomes Project 30x 0.00312; 1000 Genomes Project 0.00371.
gnomAD v4.1: 433 of 1,210,102 alleles (0.036%); highest among the groups gnomAD compares: East Asian, 1.1%; 3 homozygotes.

Submissions (5):

Labcorp Genetics (formerly Invitae), Labcorp
Classification: Benign. Last evaluated: 2025-11-03. Review status: criteria provided, single submitter. Criteria: Invitae Variant Classification Sherloc (09022015). Collection method: clinical testing. Allele origin: germline.

PreventionGenetics, part of Exact Sciences
Classification: Benign for HUWE1-related condition. Last evaluated: 2025-11-02. Review status: criteria provided, single submitter. Criteria: ACMG Guidelines, 2015. Collection method: clinical testing. Allele origin: germline.
Comment: This variant is classified as benign based on ACMG/AMP sequence variant interpretation guidelines (Richards et al. 2015 PMID: 25741868, with internal and published modifications).

GeneDx
Classification: Likely benign. Last evaluated: 2021-06-17. Review status: criteria provided, single submitter. Criteria: GeneDx Variant Classification Process June 2021. Collection method: clinical testing. Allele origin: germline. Affected: yes.

Ambry Genetics
Classification: Benign for Inborn genetic diseases. Last evaluated: 2015-08-26. Review status: criteria provided, single submitter. Criteria: Ambry Variant Classification Scheme 2023. Collection method: clinical testing. Allele origin: germline.

Breakthrough Genomics
Classification: Likely benign. Review status: criteria provided, single submitter. Criteria: ACMG Guidelines, 2015. Collection method: not provided. Allele origin: germline. Inheritance: X-linked inheritance. Affected: yes.

NM_031407.7(HUWE1):c.9432C>G (p.Arg3144=)

Gene: HUWE1 (HECT, UBA and WWE domain containing E3 ubiquitin protein ligase 1; minus strand). Cytogenetic location: Xp11.22.
Variant type: single nucleotide variant.
Coding change: c.9432C>G on transcript NM_031407.7 (MANE Select); coding-DNA position 9432, C replaced by G.
Protein change: p.Arg3144=; no amino-acid change (arginine 3144 retained).
Molecular consequence: synonymous variant.
Genome position (GRCh38, 1-based): chrX:53,550,722, G>C on the plus strand (C>G on the coding strand, the complement: HUWE1 is on the minus strand). VCF-style: chrX-53550722-G-C. GRCh37 (hg19) VCF-style: chrX-53577683-G-C.
Identifiers: ClinVar variation 732312 (VCV000732312.15), dbSNP rs76351631, ClinGen allele CA10421669.
Genomic context (GRCh38, chrX:53,550,722, plus strand): 5'-GTACCTGTTATGGCTGCTGCTACCCCCCATCTGGAAGGTGCCACCTCTCTGCACAGCAAG[G>C]CGAGTATACTGGACCCCACGGTTGCCACTTAAGCGACTGGTGAAAGCTGGAAGGAAAGAA-3'
Protein context (NP_113584.3, residues 3134-3154): LSGNRGVQYT[Arg3144=]LAVQRGGTFQ